The following is an entry in ClinVar:

ClinVar aggregate classification (germline): Uncertain significance (1 of 4 stars; one submission).

Conditions:
Hereditary cancer-predisposing syndrome. Also called: Neoplastic Syndromes, Hereditary; Tumor predisposition; Hereditary Cancer Syndrome; Hereditary neoplastic syndrome. Identifiers: Orphanet 140162, MedGen C0027672, MeSH D009386, MONDO:0015356.

Submission:

Ambry Genetics
Classification: Uncertain significance for Hereditary cancer-predisposing syndrome. Last evaluated: 2026-04-04. Review status: criteria provided, single submitter. Criteria: Ambry Variant Classification Scheme 2023. Collection method: clinical testing. Allele origin: germline.
Comment: The p.F304V variant (also known as c.910T>G), located in coding exon 9 of the BRCA1 gene, results from a T to G substitution at nucleotide position 910. The phenylalanine at codon 304 is replaced by valine, an amino acid with highly similar properties. This amino acid position is conserved. In addition, the in silico prediction for this alteration is inconclusive. Based on the available evidence, the clinical significance of this variant remains unclear.

NM_007294.4(BRCA1):c.910T>G (p.Phe304Val)

Gene: BRCA1 (BRCA1 DNA repair associated; minus strand). Cytogenetic location: 17q21.31.
Variant type: single nucleotide variant.
Coding change: c.910T>G on transcript NM_007294.4 (MANE Select); coding-DNA position 910, T replaced by G.
Protein change: p.Phe304Val; replaces phenylalanine 304 with valine.
Molecular consequence: missense variant. On other transcripts: intron variant (137).
Genome position (GRCh38, 1-based): chr17:43,094,621, A>C on the plus strand (T>G on the coding strand, the complement: BRCA1 is on the minus strand). VCF-style: chr17-43094621-A-C. GRCh37 (hg19) VCF-style: chr17-41246638-A-C.
Other names: c.769T>G, p.Phe257Val (NM_001407694.1, NM_001407695.1, NM_001407696.1 and 29 more transcripts); c.460+1225T>G (NM_001408507.1, NM_001408506.1); c.545-3589T>G (NM_001408495.1); c.661+123T>G (NM_001408448.1, NM_001408445.1, NM_001408432.1 and 6 more transcripts); c.667+1225T>G (NM_001408421.1, NM_001408431.1, NM_001408424.1); c.784+123T>G (NM_001407991.1, NM_001408407.1, NM_001408402.1 and 13 more transcripts); c.664+123T>G (NM_001408427.1, NM_001408443.1, NM_001408439.1 and 12 more transcripts); c.523+123T>G (NM_001408496.1, NM_001408499.1, NM_001408498.1 and 3 more transcripts); and 40 more; short protein forms F136V, F176V, F177V, F192V, F193V, F215V, F216V, F233V.
Identifiers: ClinVar variation 4867711 (VCV004867711.1).